The following is an entry in ClinVar:

ClinVar aggregate classification (germline): Benign/Likely benign. Review status: criteria provided, multiple submitters, no conflicts (2 of 4 stars). 2 submissions from 2 submitters: Benign (1); Likely benign (1). Last evaluated 2024-11-28.

Allele frequency attached by ClinVar (database versions not stated): gnomAD exomes 0.75189; ESP Exome Variant Server 0.75358; gnomAD 0.75886; TOPMed 0.77038; ExAC 0.77164; 1000 Genomes Project 30x 0.77967; 1000 Genomes Project 0.77975.
gnomAD v4.1: 1,196,396 of 1,588,624 alleles (75%); highest among the groups gnomAD compares: Admixed American, 83%; 451,273 homozygotes.

Submissions (2):

Blueprint Genetics
Classification: Likely benign. Last evaluated: 2024-11-28. Review status: criteria provided, single submitter. Criteria: ACMG Guidelines, 2015. Collection method: clinical testing. Allele origin: germline.

Unidad de Genómica Garrahan, Hospital de Pediatría Garrahan
Classification: Benign. Last evaluated: 2024-01-24. Review status: criteria provided, single submitter. Criteria: ACMG Guidelines, 2015. Collection method: clinical testing. Allele origin: germline. Affected: no. Observed: 84 variant alleles.
Comment: This variant is classified as Benign based on local population frequency. This variant was detected in 95% of patients studied by a panel of primary immunodeficiencies. Number of patients: 84. Only high quality variants are reported.

NM_012072.4(CD93):c.1488T>C (p.Arg496=)

Gene: CD93 (CD93 molecule; minus strand). Cytogenetic location: 20p11.21.
Variant type: single nucleotide variant.
Coding change: c.1488T>C on transcript NM_012072.4 (MANE Select); coding-DNA position 1488, T replaced by C.
Protein change: p.Arg496=; no amino-acid change (arginine 496 retained).
Molecular consequence: synonymous variant.
Genome position (GRCh38, 1-based): chr20:23,084,705, A>G on the plus strand (T>C on the coding strand, the complement: CD93 is on the minus strand). VCF-style: chr20-23084705-A-G. GRCh37 (hg19) VCF-style: chr20-23065342-A-G.
Identifiers: ClinVar variation 2688438 (VCV002688438.3), dbSNP rs3746732, ClinGen allele CA9787999.
Genomic context (GRCh38, chr20:23,084,705, plus strand): 5'-TGTGGTGGGTGTAGCCTTGGGGGTGCCCTCGGGGCCCCTTGTGGGACTGGCTGTTGCAGC[A>G]CGGGGCACGGTGCTCCCTTCTTTCTCTCCTTTGTCCTCCTCATCGGGGGGCCCAGATGGT-3'
Protein context (NP_036204.2, residues 486-506): KGEKEGSTVP[Arg496=]AATASPTRGP